The following is an entry in ClinVar:

ClinVar aggregate classification (germline): Uncertain significance. Review status: criteria provided, multiple submitters, no conflicts (2 of 4 stars). 6 submissions from 6 submitters: Uncertain significance (6). Last evaluated 2024-10-02.

Conditions:
Inborn genetic diseases. Identifiers: MedGen C0950123, MeSH D030342.
Mucopolysaccharidosis, MPS-III-A (MPS3A). Also called: MUCOPOLYSACCHARIDOSIS, TYPE IIIA, ATTENUATED; HEPARAN SULFATE SULFATASE DEFICIENCY; SANFILIPPO SYNDROME A; SULFAMIDASE DEFICIENCY; Mucopolysaccharidosis, type IIIA; MPS III A. Identifiers: Orphanet 581, Orphanet 79269, MedGen C0086647, MONDO:0009655, OMIM 252900.

Allele frequency attached by ClinVar (database versions not stated): gnomAD 0.00001; gnomAD exomes 0.00001; ExAC 0.00002; TOPMed 0.00002.
gnomAD v4.1: 15 of 1,613,990 alleles (0.00093%); highest among the groups gnomAD compares: Admixed American, 0.0017%; no homozygotes.

Submissions (6):

Blueprint Genetics
Classification: Uncertain significance. Last evaluated: 2024-10-02. Review status: criteria provided, single submitter. Criteria: ACMG Guidelines, 2015. Collection method: clinical testing. Allele origin: germline.

GeneDx
Classification: Uncertain significance. Last evaluated: 2023-03-19. Review status: criteria provided, single submitter. Criteria: GeneDx Variant Classification Process June 2021. Collection method: clinical testing. Allele origin: germline. Affected: yes.
Comment: Not observed at significant frequency in large population cohorts (gnomAD); In silico analysis supports that this missense variant has a deleterious effect on protein structure/function; Has not been previously published as pathogenic or benign to our knowledge

Labcorp Genetics (formerly Invitae), Labcorp
Classification: Uncertain significance for Mucopolysaccharidosis, MPS-III-A. Last evaluated: 2022-08-23. Review status: criteria provided, single submitter. Criteria: Invitae Variant Classification Sherloc (09022015). Collection method: clinical testing. Allele origin: germline.
Comment: This sequence change replaces threonine, which is neutral and polar, with serine, which is neutral and polar, at codon 415 of the SGSH protein (p.Thr415Ser). This variant is present in population databases (rs778602791, gnomAD 0.003%). This variant has not been reported in the literature in individuals affected with SGSH-related conditions. ClinVar contains an entry for this variant (Variation ID: 1176365). Algorithms developed to predict the effect of missense changes on protein structure and function output the following: SIFT: "Deleterious"; PolyPhen-2: "Benign"; Align-GVGD: "Class C55". The serine amino acid residue is found in multiple mammalian species, which suggests that this missense change does not adversely affect protein function. Algorithms developed to predict the effect of sequence changes on RNA splicing suggest that this variant may create or strengthen a splice site. In summary, the available evidence is currently insufficient to determine the role of this variant in disease. Therefore, it has been classified as a Variant of Uncertain Significance.

Genome-Nilou Lab
Classification: Uncertain significance for Mucopolysaccharidosis, MPS-III-A. Last evaluated: 2021-11-07. Review status: criteria provided, single submitter. Criteria: ACMG Guidelines, 2015. Collection method: clinical testing. Allele origin: germline. Affected: no.

Ambry Genetics
Classification: Uncertain significance for Inborn genetic diseases. Last evaluated: 2021-10-05. Review status: criteria provided, single submitter. Criteria: Ambry Variant Classification Scheme 2023. Collection method: clinical testing. Allele origin: germline.

CeGaT Center for Human Genetics Tuebingen
Classification: Uncertain significance. Last evaluated: 2021-06-01. Review status: criteria provided, single submitter. Criteria: CeGaT Center For Human Genetics Tuebingen Variant Classification Criteria Version 2. Collection method: clinical testing. Allele origin: germline. Affected: yes. Observed: 1 variant allele.

NM_000199.5(SGSH):c.1244C>G (p.Thr415Ser)

Gene: SGSH (N-sulfoglucosamine sulfohydrolase; minus strand). Cytogenetic location: 17q25.3.
Variant type: single nucleotide variant.
Coding change: c.1244C>G on transcript NM_000199.5 (MANE Select); coding-DNA position 1244, C replaced by G.
Protein change: p.Thr415Ser; replaces threonine 415 with serine.
Molecular consequence: missense variant. On other transcripts: 3 prime UTR variant (2), non-coding transcript variant (1).
Genome position (GRCh38, 1-based): chr17:80,210,717, G>C on the plus strand (C>G on the coding strand, the complement: SGSH is on the minus strand). VCF-style: chr17-80210717-G-C. GRCh37 (hg19) VCF-style: chr17-78184516-G-C.
Other names: c.*331C>G (NM_001352921.3); c.*294C>G (NM_001352922.2); c.1244C>G (NM_000199.3); short protein forms T415S.
Identifiers: ClinVar variation 1176365 (VCV001176365.43), dbSNP rs778602791, ClinGen allele CA8817640.